The following is an entry in ClinVar:

NM_001303.4(COX10):c.476G>A (p.Arg159Gln)

Gene: COX10 (cytochrome c oxidase assembly factor heme A:farnesyltransferase COX10; plus strand). Cytogenetic location: 17p12.
Variant type: single nucleotide variant.
Coding change: c.476G>A on transcript NM_001303.4 (MANE Select); coding-DNA position 476, G replaced by A.
Protein change: p.Arg159Gln; replaces arginine 159 with glutamine.
Molecular consequence: missense variant.
Genome position (GRCh38, 1-based): chr17:14,077,033, G>A. VCF-style: chr17-14077033-G-A. GRCh37 (hg19) VCF-style: chr17-13980350-G-A.
Other names: p.R159Q:CGA>CAA; short protein forms R159Q.
Identifiers: ClinVar variation 137009 (VCV000137009.22), dbSNP rs2072279, ClinGen allele CA290478.

ClinVar aggregate classification (germline): Benign/Likely benign. Review status: criteria provided, multiple submitters, no conflicts (2 of 4 stars). 10 submissions from 9 submitters: Benign (5); Likely benign (2). 3 of the submissions do not count toward it. Last evaluated 2026-02-07.

Conditions:
Leigh syndrome (NULS). Also called: Leigh's syndrome; Leigh Disease; Subacute necrotizing encephalopathy; Necrotizing encephalopathy infantile subacute of Leigh; Leigh's necrotizing encephalopathy; Leigh's disease. Identifiers: Orphanet 506, MedGen C2931891, MONDO:0009723, OMIM 256000.
Mitochondrial complex IV deficiency, nuclear type 1 (MC4DN1). Also called: Mitochondrial complex IV deficiency; Complex 4 mitochondrial respiratory chain deficiency; Deficiency of mitochondrial respiratory chain complex4; Complex IV deficiency; COX DEFICIENCY. Identifiers: MedGen C5435656, MONDO:0700250, OMIM 220110. Disease mechanism: loss of function.

Allele frequency attached by ClinVar (database versions not stated): 1000 Genomes Project 30x 0.46049; 1000 Genomes Project 0.46386; gnomAD 0.48837 and 0.48875; ESP Exome Variant Server 0.49039; TOPMed 0.49391; ExAC 0.49447; gnomAD exomes 0.49586 and 0.50187.
gnomAD v4.1: 807,164 of 1,613,488 alleles (50%); highest among the groups gnomAD compares: Admixed American, 57%; 202,858 homozygotes.

Submissions (10):

Women's Health and Genetics/Laboratory Corporation of America, LabCorp
Classification: Likely benign. Last evaluated: 2026-02-07. Review status: criteria provided, single submitter. Criteria: LabCorp Variant Classification Summary - May 2015. Collection method: clinical testing. Allele origin: germline.

Labcorp Genetics (formerly Invitae), Labcorp
Classification: Benign. Last evaluated: 2026-02-03. Review status: criteria provided, single submitter. Criteria: Invitae Variant Classification Sherloc (09022015). Collection method: clinical testing. Allele origin: germline.

Blueprint Genetics
Classification: Likely benign. Last evaluated: 2024-11-28. Review status: criteria provided, single submitter. Criteria: ACMG Guidelines, 2015. Collection method: clinical testing. Allele origin: germline.

Illumina Laboratory Services, Illumina
Classification: Benign for Leigh syndrome. Last evaluated: 2018-01-12. Review status: criteria provided, single submitter. Criteria: ICSL Variant Classification Criteria 13 December 2019. Collection method: clinical testing. Allele origin: germline.
Comment: This variant was observed in the ICSL laboratory as part of a predisposition screen in an ostensibly healthy population. It had not been previously curated by ICSL or reported in the Human Gene Mutation Database (HGMD: prior to June 1st, 2018), and was therefore a candidate for classification through an automated scoring system. Utilizing variant allele frequency, disease prevalence and penetrance estimates, and inheritance mode, an automated score was calculated to assess if this variant is too frequent to cause the disease. Based on the score and internal cut-off values, a variant classified as benign is not then subjected to further curation. The score for this variant resulted in a classification of benign for this disease.

Illumina Laboratory Services, Illumina
Classification: Benign for Mitochondrial complex IV deficiency, nuclear type 1. Last evaluated: 2018-01-12. Review status: criteria provided, single submitter. Criteria: ICSL Variant Classification Criteria 13 December 2019. Collection method: clinical testing. Allele origin: germline.
Comment: the same text as in the submission from Illumina Laboratory Services, Illumina above.

GeneDx
Classification: Benign. Last evaluated: 2011-07-01. Review status: criteria provided, single submitter. Criteria: GeneDx Variant Classification (06012015). Collection method: clinical testing. Allele origin: germline. Affected: yes.
Comment: This variant is considered likely benign or benign based on one or more of the following criteria: it is a conservative change, it occurs at a poorly conserved position in the protein, it is predicted to be benign by multiple in silico algorithms, and/or has population frequency not consistent with disease.

Breakthrough Genomics
Classification: Benign. Review status: criteria provided, single submitter. Criteria: ACMG Guidelines, 2015. Collection method: not provided. Allele origin: germline. Inheritance: Autosomal recessive inheritance. Affected: yes.

Mayo Clinic Laboratories, Mayo Clinic
Classification: Benign. Last evaluated: 2016-02-15. Review status: no assertion criteria provided. Collection method: clinical testing. Allele origin: unknown. Not counted in ClinVar's aggregate classification.

Clinical Genetics, Academic Medical Center
Classification: Benign. Review status: no assertion criteria provided. Collection method: clinical testing. Allele origin: germline. Affected: yes. Study: VKGL Data-share Consensus. Not counted in ClinVar's aggregate classification.

Diagnostic Laboratory, Department of Genetics, University Medical Center Groningen
Classification: Benign. Review status: no assertion criteria provided. Collection method: clinical testing. Allele origin: germline. Affected: yes. Study: VKGL Data-share Consensus. Not counted in ClinVar's aggregate classification.